The following is an entry in ClinVar:

ClinVar aggregate classification (germline): Uncertain significance. Review status: criteria provided, multiple submitters, no conflicts (2 of 4 stars). 2 submissions from 2 submitters: Uncertain significance (2). Last evaluated 2023-01-10.

Conditions:
Inborn genetic diseases. Identifiers: MedGen C0950123, MeSH D030342.

Allele frequency attached by ClinVar (database versions not stated): gnomAD 0.00001; TOPMed 0.00001.
gnomAD v4.1: 19 of 1,614,014 alleles (0.0012%); highest among the groups gnomAD compares: East Asian, 0.0045%; no homozygotes.

Submissions (2):

Ambry Genetics
Classification: Uncertain significance for Inborn genetic diseases. Last evaluated: 2023-01-10. Review status: criteria provided, single submitter. Criteria: Ambry Variant Classification Scheme 2023. Collection method: clinical testing. Allele origin: germline.

Labcorp Genetics (formerly Invitae), Labcorp
Classification: Uncertain significance. Last evaluated: 2022-08-04. Review status: criteria provided, single submitter. Criteria: Invitae Variant Classification Sherloc (09022015). Collection method: clinical testing. Allele origin: germline.
Comment: This variant has not been reported in the literature in individuals affected with VPS13D-related conditions. In summary, the available evidence is currently insufficient to determine the role of this variant in disease. Therefore, it has been classified as a Variant of Uncertain Significance. Algorithms developed to predict the effect of missense changes on protein structure and function are either unavailable or do not agree on the potential impact of this missense change (SIFT: "Not Available"; PolyPhen-2: "Benign"; Align-GVGD: "Not Available"). This variant is present in population databases (rs756749455, gnomAD 0.005%). This sequence change replaces arginine, which is basic and polar, with cysteine, which is neutral and slightly polar, at codon 347 of the VPS13D protein (p.Arg347Cys).

NM_015378.4(VPS13D):c.1039C>T (p.Arg347Cys)

Gene: VPS13D (vacuolar protein sorting 13 homolog D; plus strand). Cytogenetic location: 1p36.22.
Variant type: single nucleotide variant.
Coding change: c.1039C>T on transcript NM_015378.4 (MANE Select); coding-DNA position 1039, C replaced by T.
Protein change: p.Arg347Cys; replaces arginine 347 with cysteine.
Molecular consequence: missense variant.
Genome position (GRCh38, 1-based): chr1:12,258,032, C>T. VCF-style: chr1-12258032-C-T. GRCh37 (hg19) VCF-style: chr1-12318089-C-T.
Other names: c.1039C>T, p.Arg347Cys (NM_018156.4); c.1039C>T (NM_015378.2); short protein forms R347C.
Identifiers: ClinVar variation 1938926 (VCV001938926.7), dbSNP rs756749455, ClinGen allele CA601407.